The following is an entry in ClinVar:

ClinVar aggregate classification (germline): Uncertain significance (1 of 4 stars; one submission).

gnomAD v4.1: 6 of 1,100,838 alleles (0.00055%); highest among the groups gnomAD compares: East Asian, 0.0053%; no homozygotes.

Submission:

GeneDx
Classification: Uncertain significance. Last evaluated: 2026-04-13. Review status: criteria provided, single submitter. Criteria: GeneDx Variant Classification Process June 2021. Collection method: clinical testing. Allele origin: germline.
Comment: Not observed at significant frequency in large population cohorts (gnomAD); In silico analysis supports that this missense variant has a deleterious effect on protein structure/function; Has not been previously published as pathogenic or benign to our knowledge

NM_000540.3(RYR1):c.12971C>T (p.Thr4324Met)

Gene: RYR1 (ryanodine receptor 1; plus strand). Cytogenetic location: 19q13.2.
Variant type: single nucleotide variant.
Coding change: c.12971C>T on transcript NM_000540.3 (MANE Select); coding-DNA position 12971, C replaced by T.
Protein change: p.Thr4324Met; replaces threonine 4324 with methionine.
Molecular consequence: missense variant.
Genome position (GRCh38, 1-based): chr19:38,565,305, C>T. VCF-style: chr19-38565305-C-T. GRCh37 (hg19) VCF-style: chr19-39055945-C-T.
Other names: c.12956C>T, p.Thr4319Met (NM_001042723.2); short protein forms T4319M, T4324M.
Identifiers: ClinVar variation 5037039 (VCV005037039.1).
Genomic context (GRCh38, chr19:38,565,305, plus strand): 5'-CCCTGCGAGGCCTCAGCTACCGCAGCCTGCGGCGGCGCGTGCGGCGGCTGCGGCGGCTTA[C>T]GGCCCGCGAGGCGGCCACCGCAGTGGCGGCGCTGCTCTGGGCAGCAGTGACGCGCGCTGG-3'
Protein context (NP_000531.2, residues 4314-4334): RRRVRRLRRL[Thr4324Met]AREAATAVAA